The following is an entry in ClinVar:

NM_201253.3(CRB1):c.1561G>T (p.Ala521Ser)

Gene: CRB1 (crumbs cell polarity complex component 1; plus strand). Cytogenetic location: 1q31.3.
Variant type: single nucleotide variant.
Coding change: c.1561G>T on transcript NM_201253.3 (MANE Select); coding-DNA position 1561, G replaced by T.
Protein change: p.Ala521Ser; replaces alanine 521 with serine.
Molecular consequence: missense variant. On other transcripts: non-coding transcript variant (2).
Genome position (GRCh38, 1-based): chr1:197,421,389, G>T. VCF-style: chr1-197421389-G-T. GRCh37 (hg19) VCF-style: chr1-197390519-G-T.
Other names: c.1225G>T, p.Ala409Ser (NM_001193640.2); c.1354G>T, p.Ala452Ser (NM_001257965.2); c.1561G>T, p.Ala521Ser (NM_001257966.2); short protein forms A521S, A452S, A409S.
Identifiers: ClinVar variation 4792338 (VCV004792338.1).

ClinVar aggregate classification (germline): Uncertain significance (1 of 4 stars; one submission).

Conditions:
Leber congenital amaurosis 8 (LCA8). Identifiers: Orphanet 65, MedGen C3151202, MONDO:0013453, OMIM 613835.
Retinitis pigmentosa 12 (RP12). Also called: RP WITH OR WITHOUT PPRPE; RP WITH OR WITHOUT PRESERVED PARAARTERIOLE RETINAL PIGMENT EPITHELIUM; RETINITIS PIGMENTOSA WITH OR WITHOUT PARAARTERIOLAR PRESERVATION OF RETINAL PIGMENT EPITHELIUM. Identifiers: Orphanet 791, MedGen C1838647, MONDO:0010818, OMIM 600105.

Submission:

Labcorp Genetics (formerly Invitae), Labcorp
Classification: Uncertain significance for Leber congenital amaurosis 8; Retinitis pigmentosa 12. Last evaluated: 2025-11-22. Review status: criteria provided, single submitter. Criteria: Invitae Variant Classification Sherloc (09022015). Collection method: clinical testing. Allele origin: germline.
Comment: This sequence change replaces alanine, which is neutral and non-polar, with serine, which is neutral and polar, at codon 521 of the CRB1 protein (p.Ala521Ser). This variant is present in population databases (no rsID available, gnomAD 0.007%). This variant has not been reported in the literature in individuals affected with CRB1-related conditions. Invitae Evidence Modeling of protein sequence and biophysical properties (such as structural, functional, and spatial information, amino acid conservation, physicochemical variation, residue mobility, and thermodynamic stability) indicates that this missense variant is expected to disrupt CRB1 protein function with a positive predictive value of 95%. In summary, the available evidence is currently insufficient to determine the role of this variant in disease. Therefore, it has been classified as a Variant of Uncertain Significance.